The following is an entry in ClinVar:

ClinVar aggregate classification (germline): Uncertain significance (1 of 4 stars; one submission).

Conditions:
Neuropathy, hereditary sensory, type 1F. Also called: Hereditary sensory neuropathy type IF; HSN IF. Identifiers: Orphanet 36386, MedGen C3810194, MONDO:0014286, OMIM 615632.

Allele frequency attached by ClinVar (database versions not stated): gnomAD exomes below 0.00001; TOPMed 0.00001.
gnomAD v4.1: 3 of 1,614,184 alleles (0.00019%); highest among the groups gnomAD compares: Non-Finnish European, 0.00025%; no homozygotes.

Submission:

Labcorp Genetics (formerly Invitae), Labcorp
Classification: Uncertain significance for Neuropathy, hereditary sensory, type 1F. Last evaluated: 2020-12-03. Review status: criteria provided, single submitter. Criteria: Invitae Variant Classification Sherloc (09022015). Collection method: clinical testing. Allele origin: germline.
Comment: In summary, the available evidence is currently insufficient to determine the role of this variant in disease. Therefore, it has been classified as a Variant of Uncertain Significance. Algorithms developed to predict the effect of missense changes on protein structure and function (SIFT, PolyPhen-2, Align-GVGD) all suggest that this variant is likely to be tolerated, but these predictions have not been confirmed by published functional studies and their clinical significance is uncertain. This variant has been observed in individual(s) with clinical features of hereditary sensory and autonomic neuropathy (HSAN) (Invitae). This variant is not present in population databases (ExAC no frequency). This sequence change replaces threonine with isoleucine at codon 486 of the ATL3 protein (p.Thr486Ile). The threonine residue is highly conserved and there is a moderate physicochemical difference between threonine and isoleucine.

NM_015459.5(ATL3):c.1457C>T (p.Thr486Ile)

Genes: ATL3 (atlastin GTPase 3; minus strand), LNCROPM (lncRNA regulator of PLAAT3 mediated phospholipid metabolism; plus strand). Cytogenetic location: 11q13.1.
Variant type: single nucleotide variant.
Coding change: c.1457C>T on transcript NM_015459.5 (MANE Select); coding-DNA position 1457, C replaced by T.
Protein change: p.Thr486Ile; replaces threonine 486 with isoleucine.
Molecular consequence: missense variant.
Genome position (GRCh38, 1-based): chr11:63,631,122, G>A on the plus strand (C>T on the coding strand, the complement: ATL3 is on the minus strand). VCF-style: chr11-63631122-G-A. GRCh37 (hg19) VCF-style: chr11-63398594-G-A.
Other names: c.1403C>T, p.Thr468Ile (NM_001290048.2); short protein forms T486I, T468I.
Identifiers: ClinVar variation 1036199 (VCV001036199.8), dbSNP rs1939300338, ClinGen allele CA381024909.